The following is an entry in ClinVar:

NM_201384.3(PLEC):c.11665C>T (p.Arg3889Trp)

Gene: PLEC (plectin; minus strand). Cytogenetic location: 8q24.3.
Variant type: single nucleotide variant.
Coding change: c.11665C>T on transcript NM_201384.3 (MANE Select); coding-DNA position 11665, C replaced by T.
Protein change: p.Arg3889Trp; replaces arginine 3889 with tryptophan.
Molecular consequence: missense variant.
Genome position (GRCh38, 1-based): chr8:143,918,156, G>A on the plus strand (C>T on the coding strand, the complement: PLEC is on the minus strand). VCF-style: chr8-143918156-G-A. GRCh37 (hg19) VCF-style: chr8-144992324-G-A.
Other names: c.11746C>T, p.Arg3916Trp (NM_000445.5); c.11623C>T, p.Arg3875Trp (NM_201378.4); c.11599C>T, p.Arg3867Trp (NM_201379.3); c.12076C>T, p.Arg4026Trp (NM_201380.4); c.11569C>T, p.Arg3857Trp (NM_201381.3); c.11665C>T, p.Arg3889Trp (NM_201382.4); c.11677C>T, p.Arg3893Trp (NM_201383.3); short protein forms R3867W, R3889W, R3893W, R3916W, R4026W, R3857W, R3875W.
Identifiers: ClinVar variation 577442 (VCV000577442.9), dbSNP rs1286894043, ClinGen allele CA372489192.
Genomic context (GRCh38, chr8:143,918,156, plus strand): 5'-GCGCCGTGGCCTCGTCCATGACCTGCGAGCGCACCAGCTCCTCCATGGTGATCTGCTTCC[G>A]CAGGCCACGGAAGGTCAGCTTGCGGGCGTCCGACAGTGGCAGGAGCAGCTGGCCGGTGCC-3'
Protein context (NP_958786.1, residues 3879-3899): DARKLTFRGL[Arg3889Trp]KQITMEELVR

ClinVar aggregate classification (germline): Uncertain significance (1 of 4 stars; one submission).

Conditions:
Epidermolysis bullosa simplex 5C, with pyloric atresia (EBS5C). Also called: PLEC1-Related Epidermolysis Bullosa with Pyloric Atresia; PLEC-Related Epidermolysis Bullosa with Pyloric Atresia; Epidermolysis bullosa simplex with pyloric atresia. Identifiers: Orphanet 158684, MedGen C2677349, MONDO:0012807, OMIM 612138.
Epidermolysis bullosa simplex with nail dystrophy (EBS5D). Identifiers: MedGen C4225309, MONDO:0014661, OMIM 616487.
Autosomal recessive limb-girdle muscular dystrophy type 2Q (LGMDR17). Also called: MUSCULAR DYSTROPHY, LIMB-GIRDLE, AUTOSOMAL RECESSIVE 17. Identifiers: Orphanet 254361, MedGen C3150989, MONDO:0013390, OMIM 613723.
Epidermolysis bullosa simplex 5B, with muscular dystrophy (EBS5B). Also called: Epidermolysis bullosa simplex with muscular dystrophy; EPIDERMOLYSIS BULLOSA SIMPLEX AND LIMB-GIRDLE MUSCULAR DYSTROPHY. Identifiers: Orphanet 257, MedGen C2931072, MONDO:0009181, OMIM 226670.
Epidermolysis bullosa simplex, Ogna type (EBS5A). Also called: Pidermolysis bullosa simplex 5A, Ogna type; EPIDERMOLYSIS BULLOSA SIMPLEX 5A, OGNA TYPE. Identifiers: Orphanet 79401, MedGen C0432317, MONDO:0007555, OMIM 131950.

Allele frequency attached by ClinVar (database versions not stated): gnomAD exomes below 0.00001; TOPMed below 0.00001.
gnomAD v4.1: 3 of 1,597,768 alleles (0.00019%); highest among the groups gnomAD compares: Non-Finnish European, 0.00025%; no homozygotes.

Submission:

Labcorp Genetics (formerly Invitae), Labcorp
Classification: Uncertain significance for Autosomal recessive limb-girdle muscular dystrophy type 2Q; Epidermolysis bullosa simplex, Ogna type; Epidermolysis bullosa simplex with nail dystrophy; Epidermolysis bullosa simplex 5C, with pyloric atresia; Epidermolysis bullosa simplex 5B, with muscular dystrophy. Last evaluated: 2018-04-19. Review status: criteria provided, single submitter. Criteria: Invitae Variant Classification Sherloc (09022015). Collection method: clinical testing. Allele origin: germline.
Comment: In summary, the available evidence is currently insufficient to determine the role of this variant in disease. Therefore, it has been classified as a Variant of Uncertain Significance. Algorithms developed to predict the effect of missense changes on protein structure and function (SIFT, PolyPhen-2, Align-GVGD) all suggest that this variant is likely to be disruptive, but these predictions have not been confirmed by published functional studies and their clinical significance is uncertain. This variant has not been reported in the literature in individuals with PLEC-related disease. This variant is not present in population databases (ExAC no frequency). This sequence change replaces arginine with tryptophan at codon 3916 of the PLEC protein (p.Arg3916Trp). The arginine residue is highly conserved and there is a moderate physicochemical difference between arginine and tryptophan.